The following is an entry in ClinVar:

NM_000603.5(NOS3):c.774T>C (p.Asp258=)

Gene: NOS3 (nitric oxide synthase 3; plus strand). Cytogenetic location: 7q36.1.
Variant type: single nucleotide variant.
Coding change: c.774T>C on transcript NM_000603.5 (MANE Select); coding-DNA position 774, T replaced by C.
Protein change: p.Asp258=; no amino-acid change (aspartic acid 258 retained).
Molecular consequence: synonymous variant.
Genome position (GRCh38, 1-based): chr7:150,998,638, T>C. VCF-style: chr7-150998638-T-C. GRCh37 (hg19) VCF-style: chr7-150695726-T-C.
Other names: C774T; c.774T>C, p.Asp258= (NM_001160109.2, NM_001160110.1, NM_001160111.1).
Identifiers: ClinVar variation 403248 (VCV000403248.8), dbSNP rs1549758, ClinGen allele CA4566735.

ClinVar aggregate classification (germline): Benign. Review status: criteria provided, multiple submitters, no conflicts (2 of 4 stars). 3 submissions from 3 submitters: Benign (3). Last evaluated 2021-05-04.

Allele frequency attached by ClinVar (database versions not stated): gnomAD exomes 0.75895 and 0.70599; TOPMed 0.76994; ExAC 0.77013; 1000 Genomes Project 30x 0.81746; 1000 Genomes Project 0.81769; gnomAD 0.76176 and 0.75948; ESP Exome Variant Server 0.75539.
gnomAD v4.1: 1,144,653 of 1,607,270 alleles (71%); highest among the groups gnomAD compares: African/African-American, 89%; 411,789 homozygotes.

Submissions (3):

GeneDx
Classification: Benign. Last evaluated: 2021-05-04. Review status: criteria provided, single submitter. Criteria: GeneDx Variant Classification Process June 2021. Collection method: clinical testing. Allele origin: germline. Affected: yes.

Laboratory for Molecular Medicine, Mass General Brigham Personalized Medicine
Classification: Benign. Last evaluated: 2016-03-28. Review status: criteria provided, single submitter. Criteria: LMM Criteria. Collection method: clinical testing. Allele origin: germline.
Comment: Variant identified in a genome or exome case(s) and assessed due to predicted null impact of the variant or pathogenic assertions in the literature or databases. Disclaimer: This variant has not undergone full assessment. The following are preliminary notes: Frequency

Breakthrough Genomics
Classification: Benign. Review status: criteria provided, single submitter. Criteria: ACMG Guidelines, 2015. Collection method: not provided. Allele origin: germline. Inheritance: Autosomal dominant inheritance. Affected: yes.